The following is an entry in ClinVar:

NC_000001.10:g.(?_156130214)_(156132905_?)del

Gene: SEMA4A (semaphorin 4A; plus strand). Cytogenetic location: 1q22.
Variant type: Deletion.
Identifiers: ClinVar variation 3248017 (VCV003248017.1).

ClinVar aggregate classification (germline): Uncertain significance (1 of 4 stars; one submission).

Submission:

Labcorp Genetics (formerly Invitae), Labcorp
Classification: Uncertain significance. Last evaluated: 2023-07-22. Review status: criteria provided, single submitter. Criteria: Invitae Variant Classification Sherloc (09022015). Collection method: clinical testing. Allele origin: unknown.
Comment: This variant is a gross deletion of the genomic region encompassing exon(s) 7-10 of the SEMA4A gene. This deletion is out-of-frame, and is expected to create a premature translational stop signal and result in an absent or disrupted protein product. However, the current clinical and genetic evidence is not sufficient to establish whether loss-of-function variants in SEMA4A cause disease. This variant has not been reported in the literature in individuals affected with SEMA4A-related conditions. In summary, the available evidence is currently insufficient to determine the role of this variant in disease. Therefore, it has been classified as a Variant of Uncertain Significance.